The following is an entry in ClinVar:

NM_000238.4(KCNH2):c.916G>C (p.Gly306Arg)

Gene: KCNH2 (potassium voltage-gated channel subfamily H member 2; minus strand). Cytogenetic location: 7q36.1.
Variant type: single nucleotide variant.
Coding change: c.916G>C on transcript NM_000238.4 (MANE Select); coding-DNA position 916, G replaced by C.
Protein change: p.Gly306Arg; replaces glycine 306 with arginine.
Molecular consequence: missense variant.
Genome position (GRCh38, 1-based): chr7:150,958,059, C>G on the plus strand (G>C on the coding strand, the complement: KCNH2 is on the minus strand). VCF-style: chr7-150958059-C-G. GRCh37 (hg19) VCF-style: chr7-150655147-C-G.
Other names: c.916G>C (LRG_288t1); c.628G>C, p.Gly210Arg (NM_001406753.1, NM_001406756.1); c.739G>C, p.Gly247Arg (NM_001406755.1); c.616G>C, p.Gly206Arg (NM_001406757.1); c.916G>C, p.Gly306Arg (NM_172056.3); short protein forms G306R, G210R, G206R, G247R.
Identifiers: ClinVar variation 67543 (VCV000067543.9), dbSNP rs199472884, ClinGen allele CA008981.

ClinVar aggregate classification (germline): Pathogenic/Likely pathogenic. Review status: criteria provided, multiple submitters, no conflicts (2 of 4 stars). 3 submissions from 3 submitters: Pathogenic (1); Likely pathogenic (1). 1 of the submissions does not count toward it. Last evaluated 2024-06-18.

Conditions:
KCNH2-related disorder. Also called: KCNH2-related disorders; KCNH2-related condition.
Familial long QT syndrome (RWS). Also called: Congenital long QT syndrome; Romano-Ward syndrome; VENTRICULAR FIBRILLATION WITH PROLONGED QT INTERVAL. Identifiers: Orphanet 768, MedGen C1141890, MONDO:0019171.
Long QT syndrome (LQTS). Identifiers: MedGen C0023976, MeSH D008133, MONDO:0002442. Disease mechanism: loss of function. Inheritance: Various modes of inheritance.

Submissions (3):

Labcorp Genetics (formerly Invitae), Labcorp
Classification: Likely pathogenic for Long QT syndrome. Last evaluated: 2024-06-18. Review status: criteria provided, single submitter. Criteria: Invitae Variant Classification Sherloc (09022015). Collection method: clinical testing. Allele origin: germline.
Comment: This sequence change replaces glycine, which is neutral and non-polar, with arginine, which is basic and polar, at codon 306 of the KCNH2 protein (p.Gly306Arg). This variant also falls at the last nucleotide of exon 4, which is part of the consensus splice site for this exon. This variant is not present in population databases (gnomAD no frequency). This missense change has been observed in individuals with long QT syndrome (PMID: 18752142; Invitae). ClinVar contains an entry for this variant (Variation ID: 67543). An algorithm developed to predict the effect of missense changes on protein structure and function (PolyPhen-2) suggests that this variant is likely to be tolerated. Variants that disrupt the consensus splice site are a relatively common cause of aberrant splicing (PMID: 17576681, 9536098). Algorithms developed to predict the effect of sequence changes on RNA splicing suggest that this variant may disrupt the consensus splice site. In summary, the currently available evidence indicates that the variant is pathogenic, but additional data are needed to prove that conclusively. Therefore, this variant has been classified as Likely Pathogenic.

Blueprint Genetics
Classification: Pathogenic for KCNH2-related disorders. Last evaluated: 2018-06-08. Review status: criteria provided, single submitter. Criteria: ACMG Guidelines, 2015. Collection method: clinical testing. Allele origin: germline. Affected: yes. Observed: 2 variant alleles.

Cardiovascular Biomedical Research Unit, Royal Brompton & Harefield NHS Foundation Trust
No classification provided. Condition: Familial long QT syndrome. Review status: no classification provided. Collection method: literature only. Allele origin: germline. Not counted in ClinVar's aggregate classification.
Comment: This variant has been reported as associated with Long QT syndrome in the following publications (PMID:18752142). This is a literature report, and does not necessarily reflect the clinical interpretation of the Imperial College / Royal Brompton Cardiovascular Genetics laboratory.

Literature cited by the submitters: PubMed 18752142 (cited by Labcorp Genetics (formerly Invitae), Labcorp and Cardiovascular Biomedical Research Unit, Royal Brompton & Harefield NHS Foundation Trust); PubMed 17576681 (cited by Labcorp Genetics (formerly Invitae), Labcorp); PubMed 9536098 (cited by Labcorp Genetics (formerly Invitae), Labcorp); PubMed 22581653 (cited by Cardiovascular Biomedical Research Unit, Royal Brompton & Harefield NHS Foundation Trust).